The following is an entry in ClinVar:

ClinVar aggregate classification (germline): Likely benign. Review status: criteria provided, multiple submitters, no conflicts (2 of 4 stars). 3 submissions from 3 submitters: Likely benign (2). 1 of the submissions does not count toward it. Last evaluated 2024-12-10.

Conditions:
HNRNPDL-related disorder. Also called: HNRNPDL-related condition.
Autosomal dominant limb-girdle muscular dystrophy type 1G (LGMDD3). Also called: MUSCULAR DYSTROPHY, LIMB-GIRDLE, AUTOSOMAL DOMINANT 3; Limb-girdle muscular dystrophy, type 1G. Identifiers: Orphanet 55596, MedGen C1836765, MONDO:0012193, OMIM 609115.

Submissions (3):

Labcorp Genetics (formerly Invitae), Labcorp
Classification: Likely benign for Autosomal dominant limb-girdle muscular dystrophy type 1G. Last evaluated: 2024-12-10. Review status: criteria provided, single submitter. Criteria: Invitae Variant Classification Sherloc (09022015). Collection method: clinical testing. Allele origin: germline.

Blueprint Genetics
Classification: Likely benign. Last evaluated: 2022-03-04. Review status: criteria provided, single submitter. Criteria: ACMG Guidelines, 2015. Collection method: clinical testing. Allele origin: germline.

PreventionGenetics, part of Exact Sciences
Classification: Likely benign for HNRNPDL-related condition. Last evaluated: 2019-12-30. Review status: no assertion criteria provided. Collection method: clinical testing. Allele origin: germline. Not counted in ClinVar's aggregate classification.
Comment: This variant is classified as likely benign based on ACMG/AMP sequence variant interpretation guidelines (Richards et al. 2015 PMID: 25741868, with internal and published modifications).

NM_031372.4(HNRNPDL):c.237C>T (p.Arg79=)

Gene: HNRNPDL (heterogeneous nuclear ribonucleoprotein D like; minus strand). Cytogenetic location: 4q21.22.
Variant type: single nucleotide variant.
Coding change: c.237C>T on transcript NM_031372.4 (MANE Select); coding-DNA position 237, C replaced by T.
Protein change: p.Arg79=; no amino-acid change (arginine 79 retained).
Molecular consequence: synonymous variant. On other transcripts: non-coding transcript variant (1).
Genome position (GRCh38, 1-based): chr4:82,429,454, G>A on the plus strand (C>T on the coding strand, the complement: HNRNPDL is on the minus strand). VCF-style: chr4-82429454-G-A. GRCh37 (hg19) VCF-style: chr4-83350607-G-A.
Other names: c.237C>T, p.Arg79= (NM_001207000.1).
Identifiers: ClinVar variation 3356528 (VCV003356528.4).